The following is an entry in ClinVar:

NM_018365.4(MNS1):c.232G>T (p.Glu78Ter)

Genes: MNS1 (meiosis specific nuclear structural 1; minus strand), TEX9 (testis expressed 9; plus strand). Cytogenetic location: 15q21.3.
Variant type: single nucleotide variant.
Coding change: c.232G>T on transcript NM_018365.4 (MANE Select); coding-DNA position 232, G replaced by T.
Protein change: p.Glu78Ter; replaces glutamic acid 78 with a stop codon.
Molecular consequence: nonsense.
Genome position (GRCh38, 1-based): chr15:56,456,515, C>A on the plus strand (G>T on the coding strand, the complement: MNS1 is on the minus strand). VCF-style: chr15-56456515-C-A. GRCh37 (hg19) VCF-style: chr15-56748713-C-A.
Other names: short protein forms E78*.
Identifiers: ClinVar variation 3044659 (VCV003044659.2), dbSNP rs747360063, ClinGen allele CA7579620.

ClinVar aggregate classification (germline): Likely pathogenic (0 of 4 stars; one submission).

Conditions:
MNS1-related disorder. Also called: MNS1-related condition.

Allele frequency attached by ClinVar (database versions not stated): ExAC 0.00001; gnomAD exomes 0.00001.
gnomAD v4.1: 8 of 1,607,440 alleles (0.0005%); highest among the groups gnomAD compares: East Asian, 0.018%; no homozygotes.

Submission:

PreventionGenetics, part of Exact Sciences
Classification: Likely pathogenic for MNS1-related condition. Last evaluated: 2024-01-02. Review status: no assertion criteria provided. Collection method: clinical testing. Allele origin: germline.
Comment: The MNS1 c.232G>T variant is predicted to result in premature protein termination (p.Glu78*). To our knowledge, this variant has not been reported in the literature. This variant is reported in 0.028% of alleles in individuals of East Asian descent in gnomAD. Nonsense variants in MNS1 are expected to be pathogenic. This variant is interpreted as likely pathogenic.